The following is an entry in ClinVar:

NM_001363711.2(DUOX2):c.3752T>C (p.Leu1251Pro)

Gene: DUOX2 (dual oxidase 2; minus strand). Cytogenetic location: 15q21.1.
Variant type: single nucleotide variant.
Coding change: c.3752T>C on transcript NM_001363711.2 (MANE Select); coding-DNA position 3752, T replaced by C.
Protein change: p.Leu1251Pro; replaces leucine 1251 with proline.
Molecular consequence: missense variant.
Genome position (GRCh38, 1-based): chr15:45,097,333, A>G on the plus strand (T>C on the coding strand, the complement: DUOX2 is on the minus strand). VCF-style: chr15-45097333-A-G. GRCh37 (hg19) VCF-style: chr15-45389531-A-G.
Other names: c.3752T>C, p.Leu1251Pro (NM_014080.5); short protein forms L1251P.
Identifiers: ClinVar variation 1442483 (VCV001442483.6), dbSNP rs200910210, ClinGen allele CA7537738.

ClinVar aggregate classification (germline): Uncertain significance (1 of 4 stars; one submission).

Allele frequency attached by ClinVar (database versions not stated): gnomAD exomes below 0.00001 and 0.00001; ExAC 0.00001; gnomAD 0.00002 and 0.00003; 1000 Genomes Project 0.00040; 1000 Genomes Project 30x 0.00047.
gnomAD v4.1: 12 of 1,614,266 alleles (0.00074%); highest among the groups gnomAD compares: Admixed American, 0.015%; no homozygotes.

Submission:

Labcorp Genetics (formerly Invitae), Labcorp
Classification: Uncertain significance. Last evaluated: 2024-11-18. Review status: criteria provided, single submitter. Criteria: Invitae Variant Classification Sherloc (09022015). Collection method: clinical testing. Allele origin: germline.
Comment: This sequence change replaces leucine, which is neutral and non-polar, with proline, which is neutral and non-polar, at codon 1251 of the DUOX2 protein (p.Leu1251Pro). This variant is present in population databases (rs200910210, gnomAD 0.006%). This variant has not been reported in the literature in individuals affected with DUOX2-related conditions. ClinVar contains an entry for this variant (Variation ID: 1442483). Invitae Evidence Modeling of protein sequence and biophysical properties (such as structural, functional, and spatial information, amino acid conservation, physicochemical variation, residue mobility, and thermodynamic stability) indicates that this missense variant is not expected to disrupt DUOX2 protein function with a negative predictive value of 80%. In summary, the available evidence is currently insufficient to determine the role of this variant in disease. Therefore, it has been classified as a Variant of Uncertain Significance.